The following is an entry in ClinVar:

NM_001933.5(DLST):c.145G>A (p.Val49Ile)

Gene: DLST (dihydrolipoamide S-succinyltransferase; plus strand). Cytogenetic location: 14q24.3.
Variant type: single nucleotide variant.
Coding change: c.145G>A on transcript NM_001933.5 (MANE Select); coding-DNA position 145, G replaced by A.
Protein change: p.Val49Ile; replaces valine 49 with isoleucine.
Molecular consequence: missense variant. On other transcripts: non-coding transcript variant (1).
Genome position (GRCh38, 1-based): chr14:74,885,633, G>A. VCF-style: chr14-74885633-G-A. GRCh37 (hg19) VCF-style: chr14-75352336-G-A.
Other names: c.145G>A, p.Val49Ile (NM_001244883.2); c.145G>A (NM_001933.4); short protein forms V49I.
Identifiers: ClinVar variation 2741849 (VCV002741849.5), dbSNP rs61755652, ClinGen allele CA7273328.

ClinVar aggregate classification (germline): Likely benign. Review status: criteria provided, single submitter (1 of 4 stars). 2 submissions from 2 submitters: Likely benign (1). 1 of the submissions does not count toward it. Last evaluated 2025-01-20.

Conditions:
DLST-related disorder. Also called: DLST-related condition.

Allele frequency attached by ClinVar (database versions not stated): TOPMed 0.00042; ESP Exome Variant Server 0.00046; gnomAD 0.00046; 1000 Genomes Project 0.00060; 1000 Genomes Project 30x 0.00062; gnomAD exomes 0.00064; ExAC 0.00085.
gnomAD v4.1: 1,005 of 1,612,968 alleles (0.062%); highest among the groups gnomAD compares: South Asian, 0.37%; 5 homozygotes.

Submissions (5):

Labcorp Genetics (formerly Invitae), Labcorp
Classification: Likely benign. Last evaluated: 2025-01-20. Review status: criteria provided, single submitter. Criteria: Invitae Variant Classification Sherloc (09022015). Collection method: clinical testing. Allele origin: germline.

PreventionGenetics, part of Exact Sciences
Classification: Likely benign for DLST-related condition. Last evaluated: 2022-04-25. Review status: no assertion criteria provided. Collection method: clinical testing. Allele origin: germline. Not counted in ClinVar's aggregate classification.
Comment: This variant is classified as likely benign based on ACMG/AMP sequence variant interpretation guidelines (Richards et al. 2015 PMID: 25741868, with internal and published modifications).

Dr. Peter K. Rogan Lab, Western University
No classification provided (evidence only). Condition: Clear cell carcinoma of kidney. Review status: no classification provided. Collection method: in vitro. Allele origin: not applicable. Functional consequence: retained intron. Not counted in ClinVar's aggregate classification.

Dr. Peter K. Rogan Lab, Western University
No classification provided (evidence only). Condition: Uterine corpus endometrial carcinoma. Review status: no classification provided. Collection method: in vitro. Allele origin: not applicable. Functional consequence: retained intron. Not counted in ClinVar's aggregate classification.

Dr. Peter K. Rogan Lab, Western University
No classification provided (evidence only). Condition: Sarcoma. Review status: no classification provided. Collection method: in vitro. Allele origin: not applicable. Functional consequence: retained intron. Not counted in ClinVar's aggregate classification.